The following is an entry in ClinVar:

NM_001130009.3(GEN1):c.2364A>C (p.Lys788Asn)

Gene: GEN1 (GEN1 structure-specific endonuclease; plus strand). Cytogenetic location: 2p24.2.
Variant type: single nucleotide variant.
Coding change: c.2364A>C on transcript NM_001130009.3 (MANE Select); coding-DNA position 2364, A replaced by C.
Protein change: p.Lys788Asn; replaces lysine 788 with asparagine.
Molecular consequence: missense variant.
Genome position (GRCh38, 1-based): chr2:17,781,576, A>C. VCF-style: chr2-17781576-A-C. GRCh37 (hg19) VCF-style: chr2-17962843-A-C.
Other names: c.2364A>C, p.Lys788Asn (NM_182625.5); short protein forms K788N.
Identifiers: ClinVar variation 5022296 (VCV005022296.1).

ClinVar aggregate classification (germline): Uncertain significance (1 of 4 stars; one submission).

Submission:

Ambry Genetics
Classification: Uncertain significance. Last evaluated: 2026-07-05. Review status: criteria provided, single submitter. Criteria: Ambry Variant Classification Scheme 2023. Collection method: clinical testing. Allele origin: germline.
Comment: The p.K788N variant (also known as c.2364A>C), located in coding exon 13 of the GEN1 gene, results from an A to C substitution at nucleotide position 2364. The lysine at codon 788 is replaced by asparagine, an amino acid with similar properties. This amino acid position is conserved. In addition, this alteration is predicted to be tolerated by in silico analysis. Based on the available evidence, the clinical significance of this variant remains unclear.